The following is an entry in ClinVar:

NM_002335.4(LRP5):c.2312C>T (p.Thr771Ile)

Gene: LRP5 (LDL receptor related protein 5; plus strand). Cytogenetic location: 11q13.2.
Variant type: single nucleotide variant.
Coding change: c.2312C>T on transcript NM_002335.4 (MANE Select); coding-DNA position 2312, C replaced by T.
Protein change: p.Thr771Ile; replaces threonine 771 with isoleucine.
Molecular consequence: missense variant.
Genome position (GRCh38, 1-based): chr11:68,410,134, C>T. VCF-style: chr11-68410134-C-T. GRCh37 (hg19) VCF-style: chr11-68177602-C-T.
Other names: c.569C>T, p.Thr190Ile (NM_001291902.2); short protein forms T190I, T771I.
Identifiers: ClinVar variation 3764297 (VCV003764297.1).

ClinVar aggregate classification (germline): Uncertain significance (1 of 4 stars; one submission).

gnomAD v4.1: 1 of 1,613,466 alleles (0.000062%); highest among the groups gnomAD compares: Non-Finnish European, 0.000085%; no homozygotes.

Submission:

GeneDx
Classification: Uncertain significance. Last evaluated: 2024-08-16. Review status: criteria provided, single submitter. Criteria: GeneDx Variant Classification Process June 2021. Collection method: clinical testing. Allele origin: germline. Affected: yes.
Comment: Not observed at significant frequency in large population cohorts (gnomAD); In silico analysis indicates that this missense variant does not alter protein structure/function; Has not been previously published as pathogenic or benign to our knowledge